The following is an entry in ClinVar:

NM_020975.6(RET):c.134_135inv (p.Ala45Val)

Gene: RET (ret proto-oncogene; plus strand). Cytogenetic location: 10q11.21.
Variant type: Inversion.
Coding change: c.134_135inv on transcript NM_020975.6 (MANE Select).
Protein change: p.Ala45Val; replaces alanine 45 with valine.
Molecular consequence: missense variant.
Genome position: GRCh38 VCF-style: chr10-43100519-CA-TG. GRCh37 (hg19) VCF-style: chr10-43595967-CA-TG.
Other names: c.134_135inv, p.Ala45Val (NM_020630.6); c.134_135delinsTG (NM_020975.6); short protein forms A45V.
Identifiers: ClinVar variation 4757078 (VCV004757078.1).

ClinVar aggregate classification (germline): Uncertain significance (1 of 4 stars; one submission).

Conditions:
Multiple endocrine neoplasia, type 2 (MEN2). Identifiers: Orphanet 653, MedGen C4048306, MONDO:0019003. Disease mechanism: gain of function.

Submission:

Color Diagnostics, LLC DBA Color Health
Classification: Uncertain significance for Multiple endocrine neoplasia, type 2. Last evaluated: 2025-07-05. Review status: criteria provided, single submitter. Criteria: ACMG Guidelines, 2015. Collection method: clinical testing. Allele origin: germline.
Comment: This missense variant replaces alanine with valine at codon 45 of the RET protein. To our knowledge, functional studies have not been reported for this variant. This variant has been reported in an individual referred for genetic testing with a hereditary cancer panel, but the cancer-status of the carrier was not provided (PMID: 31159747). This variant has not been identified in the general population by the Genome Aggregation Database (gnomAD). The available evidence is insufficient to determine the role of this variant in disease conclusively. Therefore, this variant is classified as a Variant of Uncertain Significance.

Literature cited by the submitters: PubMed 31159747.